The following is an entry in ClinVar:

ClinVar aggregate classification (germline): Pathogenic/Likely pathogenic. Review status: criteria provided, multiple submitters, no conflicts (2 of 4 stars). 2 submissions from 2 submitters: Pathogenic (1); Likely pathogenic (1). Last evaluated 2023-09-21.

Conditions:
Retinitis pigmentosa 25 (RP25). Identifiers: Orphanet 791, MedGen C1864446, MONDO:0011272, OMIM 602772.

Submissions (2):

Labcorp Genetics (formerly Invitae), Labcorp
Classification: Pathogenic. Last evaluated: 2023-09-21. Review status: criteria provided, single submitter. Criteria: Invitae Variant Classification Sherloc (09022015). Collection method: clinical testing. Allele origin: germline.
Comment: This sequence change creates a premature translational stop signal (p.Ile3084Serfs*4) in the EYS gene. While this is not anticipated to result in nonsense mediated decay, it is expected to disrupt the last 61 amino acid(s) of the EYS protein. This variant is not present in population databases (gnomAD no frequency). This variant has not been reported in the literature in individuals affected with EYS-related conditions. ClinVar contains an entry for this variant (Variation ID: 966001). This variant disrupts a region of the EYS protein in which other variant(s) (p.Tyr3135*) have been determined to be pathogenic (PMID: 18976725, 30337596). This suggests that this is a clinically significant region of the protein, and that variants that disrupt it are likely to be disease-causing. For these reasons, this variant has been classified as Pathogenic.

Baylor Genetics
Classification: Likely pathogenic for Retinitis pigmentosa 25. Last evaluated: 2022-05-11. Review status: criteria provided, single submitter. Criteria: ACMG Guidelines, 2015. Collection method: clinical testing. Allele origin: unknown.

Literature cited by the submitters: PubMed 18976725 (cited by Labcorp Genetics (formerly Invitae), Labcorp); PubMed 30337596 (cited by Labcorp Genetics (formerly Invitae), Labcorp).

NM_001142800.2(EYS):c.9234_9249dup (p.Ile3084delinsSerLysLeuTer)

Genes: EYS (EGF-like photoreceptor maintenance factor; minus strand), PHF3 (PHD finger protein 3; plus strand). Cytogenetic location: 6q12.
Variant type: Duplication.
Coding change: c.9234_9249dup on transcript NM_001142800.2 (MANE Select); coding-DNA positions 9234 to 9249, 16 bases duplicated (TCTAAACTATGATGGC).
Protein change: p.Ile3084delinsSerLysLeuTer.
Molecular consequence: nonsense. On other transcripts: 3 prime UTR variant (5).
Genome position (GRCh38, 1-based): chr6:63,720,782-63,720,797, GCCATCATAGTTTAGA duplicated on the plus strand (TCTAAACTATGATGGC on the coding strand, the reverse complement: EYS is on the minus strand); duplicating any 16 consecutive bases within chr6:63,720,782-63,720,801 gives the same sequence; the c. name uses the placement nearest the transcript's 3' end. VCF-style (leftmost placement, unchanged base first): chr6-63720781-T-TGCCATCATAGTTTAGA. GRCh37 (hg19) VCF-style: chr6-64430677-T-TGCCATCATAGTTTAGA.
Other names: c.*7078_*7093dup (NM_001290259.2, NM_001370348.2, NM_001370349.2 and 2 more transcripts); c.9297_9312dup, p.Ile3105delinsSerLysLeuTer (NM_001292009.2).
Identifiers: ClinVar variation 966001 (VCV000966001.10), dbSNP rs1768348055, ClinGen allele CA1139659648.